The following is an entry in ClinVar:

NM_017617.5(NOTCH1):c.1661G>A (p.Cys554Tyr)

Gene: NOTCH1 (notch receptor 1; minus strand). Cytogenetic location: 9q34.3.
Variant type: single nucleotide variant.
Coding change: c.1661G>A on transcript NM_017617.5 (MANE Select); coding-DNA position 1661, G replaced by A.
Protein change: p.Cys554Tyr; replaces cysteine 554 with tyrosine.
Molecular consequence: missense variant.
Genome position (GRCh38, 1-based): chr9:136,515,989, C>T on the plus strand (G>A on the coding strand, the complement: NOTCH1 is on the minus strand). VCF-style: chr9-136515989-C-T. GRCh37 (hg19) VCF-style: chr9-139410441-C-T.
Other names: short protein forms C554Y.
Identifiers: ClinVar variation 1051533 (VCV001051533.9), dbSNP rs2133365061, ClinGen allele CA375560674.

ClinVar aggregate classification (germline): Uncertain significance (1 of 4 stars; one submission).

Conditions:
Adams-Oliver syndrome 5 (AOS5). Identifiers: Orphanet 974, MedGen C4014970, MONDO:0014459, OMIM 616028.

Submission:

Labcorp Genetics (formerly Invitae), Labcorp
Classification: Uncertain significance for Adams-Oliver syndrome 5. Last evaluated: 2023-08-04. Review status: criteria provided, single submitter. Criteria: Invitae Variant Classification Sherloc (09022015). Collection method: clinical testing. Allele origin: germline.
Comment: This sequence change replaces cysteine, which is neutral and slightly polar, with tyrosine, which is neutral and polar, at codon 554 of the NOTCH1 protein (p.Cys554Tyr). This variant is not present in population databases (gnomAD no frequency). This variant has not been reported in the literature in individuals affected with NOTCH1-related conditions. ClinVar contains an entry for this variant (Variation ID: 1051533). Advanced modeling of protein sequence and biophysical properties (such as structural, functional, and spatial information, amino acid conservation, physicochemical variation, residue mobility, and thermodynamic stability) performed at Invitae indicates that this missense variant is expected to disrupt NOTCH1 protein function. Algorithms developed to predict the effect of sequence changes on RNA splicing suggest that this variant may create or strengthen a splice site. In summary, the available evidence is currently insufficient to determine the role of this variant in disease. Therefore, it has been classified as a Variant of Uncertain Significance.